The following is an entry in ClinVar:

ClinVar aggregate classification (germline): Likely benign (0 of 4 stars; one submission).

Conditions:
DNAJC3-related disorder. Also called: DNAJC3-related condition.

Allele frequency attached by ClinVar (database versions not stated): ExAC 0.00001; gnomAD 0.00001; TOPMed 0.00002; gnomAD exomes 0.00008.
gnomAD v4.1: 115 of 1,606,932 alleles (0.0072%); highest among the groups gnomAD compares: Non-Finnish European, 0.0095%; no homozygotes.

Submission:

PreventionGenetics, part of Exact Sciences
Classification: Likely benign for DNAJC3-related condition. Last evaluated: 2019-07-18. Review status: no assertion criteria provided. Collection method: clinical testing. Allele origin: germline.
Comment: This variant is classified as likely benign based on ACMG/AMP sequence variant interpretation guidelines (Richards et al. 2015 PMID: 25741868, with internal and published modifications).

NM_006260.5(DNAJC3):c.1398T>C (p.Asp466=)

Gene: DNAJC3 (DnaJ heat shock protein family (Hsp40) member C3; plus strand). Cytogenetic location: 13q32.1.
Variant type: single nucleotide variant.
Coding change: c.1398T>C on transcript NM_006260.5 (MANE Select); coding-DNA position 1398, T replaced by C.
Protein change: p.Asp466=; no amino-acid change (aspartic acid 466 retained).
Molecular consequence: synonymous variant.
Genome position (GRCh38, 1-based): chr13:95,790,913, T>C. VCF-style: chr13-95790913-T-C. GRCh37 (hg19) VCF-style: chr13-96443167-T-C.
Identifiers: ClinVar variation 3050332 (VCV003050332.2), dbSNP rs746076866, ClinGen allele CA7021599.